The following is an entry in ClinVar:

ClinVar aggregate classification (germline): Uncertain significance (1 of 4 stars; one submission).

Conditions:
Hereditary cancer-predisposing syndrome. Also called: Neoplastic Syndromes, Hereditary; Hereditary Cancer Syndrome; Hereditary neoplastic syndrome; Tumor predisposition. Identifiers: Orphanet 140162, MedGen C0027672, MeSH D009386, MONDO:0015356.

Submission:

Ambry Genetics
Classification: Uncertain significance for Hereditary cancer-predisposing syndrome. Last evaluated: 2023-05-08. Review status: criteria provided, single submitter. Criteria: Ambry Variant Classification Scheme 2023. Collection method: clinical testing. Allele origin: germline.
Comment: The c.557_558delGGinsTT variant (also known as p.W186F), located in coding exon 3 of the FLCN gene, results from an in-frame deletion of GG and insertion of TT at nucleotide positions 557 to 558. This results in the substitution of the tryptophan residue for a phenylalanine residue at codon 186, an amino acid with highly similar properties. This amino acid position is highly conserved in available vertebrate species. In addition, this alteration is predicted to be deleterious by in silico analysis (Choi Y et al. PLoS ONE. 2012; 7(10):e46688). Since supporting evidence is limited at this time, the clinical significance of this alteration remains unclear.

NM_144997.7(FLCN):c.557_558delinsTT (p.Trp186Phe)

Gene: FLCN (folliculin; minus strand). Cytogenetic location: 17p11.2.
Variant type: Indel.
Coding change: c.557_558delinsTT on transcript NM_144997.7 (MANE Select); coding-DNA positions 557 to 558, GG replaced by TT.
Protein change: p.Trp186Phe; replaces tryptophan 186 with phenylalanine.
Molecular consequence: missense variant.
Genome position (GRCh38, 1-based): chr17:17,223,982-17,223,983, CC replaced by AA on the plus strand (GG replaced by TT on the coding strand, the reverse complement: FLCN is on the minus strand). VCF-style: chr17-17223982-CC-AA. GRCh37 (hg19) VCF-style: chr17-17127296-CC-AA.
Other names: c.611_612delinsTT, p.Trp204Phe (NM_001353229.2); c.557_558delinsTT, p.Trp186Phe (NM_001353230.2, NM_001353231.2, NM_144606.7); short protein forms W186F, W204F.
Identifiers: ClinVar variation 2566324 (VCV002566324.2), dbSNP rs2544252641, ClinGen allele CA2580614021.